The following is an entry in ClinVar:

ClinVar aggregate classification (germline): Uncertain significance. Review status: criteria provided, multiple submitters, no conflicts (2 of 4 stars). 2 submissions from 2 submitters: Uncertain significance (2). Last evaluated 2025-06-23.

Conditions:
Peroxisome biogenesis disorder 7A (Zellweger). Also called: Peroxisome biogenesis disorder 7A. Identifiers: Orphanet 912, MedGen C3888385, MONDO:0013938, OMIM 614872.
Peroxisome biogenesis disorder 7B (PBD7B). Identifiers: Orphanet 44, MedGen C3553951, MONDO:0013939, OMIM 614873.

Allele frequency attached by ClinVar (database versions not stated): TOPMed 0.00001; gnomAD 0.00002; gnomAD exomes 0.00001; ExAC 0.00002.
gnomAD v4.1: 6 of 1,597,600 alleles (0.00038%); highest among the groups gnomAD compares: Admixed American, 0.0085%; no homozygotes.

Submissions (2):

Labcorp Genetics (formerly Invitae), Labcorp
Classification: Uncertain significance for Peroxisome biogenesis disorder 7A (Zellweger); Peroxisome biogenesis disorder 7B. Last evaluated: 2025-06-23. Review status: criteria provided, single submitter. Criteria: Invitae Variant Classification Sherloc (09022015). Collection method: clinical testing. Allele origin: germline.
Comment: This sequence change falls in intron 2 of the PEX26 gene. It does not directly change the encoded amino acid sequence of the PEX26 protein. It affects a nucleotide within the consensus splice site. The frequency data for this variant in the population databases is considered unreliable, as metrics indicate poor data quality at this position in the gnomAD database. This variant has not been reported in the literature in individuals affected with PEX26-related conditions. ClinVar contains an entry for this variant (Variation ID: 595256). Variants that disrupt the consensus splice site are a relatively common cause of aberrant splicing (PMID: 17576681, 9536098). Algorithms developed to predict the effect of sequence changes on RNA splicing suggest that this variant may disrupt the consensus splice site. In summary, the available evidence is currently insufficient to determine the role of this variant in disease. Therefore, it has been classified as a Variant of Uncertain Significance.

Eurofins Ntd Llc (ga)
Classification: Uncertain significance. Last evaluated: 2017-12-07. Review status: criteria provided, single submitter. Criteria: EGL Classification Definitions 2015. Collection method: clinical testing. Allele origin: germline. Observed: 1 variant allele, 1 heterozygote.

Literature cited by the submitters: PubMed 17576681 (cited by Labcorp Genetics (formerly Invitae), Labcorp); PubMed 9536098 (cited by Labcorp Genetics (formerly Invitae), Labcorp).

NM_001127649.3(PEX26):c.230+3A>G

Gene: PEX26 (peroxisomal biogenesis factor 26; plus strand). Cytogenetic location: 22q11.21.
Variant type: single nucleotide variant.
Coding change: c.230+3A>G on transcript NM_001127649.3 (MANE Select); 3 bases into the intron after coding-DNA position 230, A replaced by G.
Molecular consequence: intron variant.
Genome position (GRCh38, 1-based): chr22:18,078,609, A>G. VCF-style: chr22-18078609-A-G. GRCh37 (hg19) VCF-style: chr22-18561375-A-G.
Other names: c.230+3A>G (NM_017929.6, NM_001199319.2).
Identifiers: ClinVar variation 595256 (VCV000595256.10), dbSNP rs757200331, ClinGen allele CA10093251.
Genomic context (GRCh38, chr22:18,078,609, plus strand): 5'-GCGAGCGGGCCTGGCAGAGTCTGGCCAACCACGCCGTGGCAGAGGAACCCGCGGGCACGT[A>G]CGTGCTGGGCTCGGAAATGAACCGATTTCCGGGCGCTCTTGTGGTGGGGCTCAAGGTCTC-3'